The following is an entry in ClinVar:

ClinVar aggregate classification (germline): Uncertain significance (0 of 4 stars; one submission).

Conditions:
Nephrotic syndrome. Identifiers: MedGen C0027726, MONDO:0005377, HP:0000100.

Submission:

Sydney Genome Diagnostics, Children's Hospital Westmead
Classification: Uncertain significance for Nephrotic syndrome. Last evaluated: 2014-04-18. Review status: no assertion criteria provided. Collection method: clinical testing. Allele origin: unknown. Affected: yes. Observed: 1 variant allele, 1 compound heterozygote.
Comment: To our knowledge, this variant has not been previously reported in the literature and no frequency data is available. In silico analysis (Alamut Visual v2.6) using PolyPhen2, SIFT, Align GVGD, KD4v and MutationTaster all suggest that this variant does not affect protein function and is likely to be a non-pathogenic variant.

NM_016341.4(PLCE1):c.6821A>G (p.Gln2274Arg)

Genes: PLCE1 (phospholipase C epsilon 1; plus strand), NOC3L (NOC3 like DNA replication regulator; minus strand). Cytogenetic location: 10q23.33.
Variant type: single nucleotide variant.
Coding change: c.6821A>G on transcript NM_016341.4 (MANE Select); coding-DNA position 6821, A replaced by G.
Protein change: p.Gln2274Arg; replaces glutamine 2274 with arginine.
Molecular consequence: missense variant.
Genome position (GRCh38, 1-based): chr10:94,324,992, A>G. VCF-style: chr10-94324992-A-G. GRCh37 (hg19) VCF-style: chr10-96084749-A-G.
Other names: c.5897A>G, p.Gln1966Arg (NM_001165979.2); c.6773A>G, p.Gln2258Arg (NM_001288989.2); short protein forms Q1966R, Q2258R, Q2274R.
Identifiers: ClinVar variation 988203 (VCV000988203.1), dbSNP rs375606039, ClinGen allele CA377650418.
Genomic context (GRCh38, chr10:94,324,992, plus strand): 5'-GTGAACTCAAGAAGCTCACCAAGTCAACTAAACAGCCCCGAGGACTTACATCACCTTCTC[A>G]GCTCTTGACCTCAGAAAGTATCCAAACCAAGGAGGAGAAACCTGTGGGTGGCTTGTCCTC-3'
Protein context (NP_057425.3, residues 2264-2284): KQPRGLTSPS[Gln2274Arg]LLTSESIQTK